The following is an entry in ClinVar:

NM_004946.3(DOCK2):c.316dup (p.Tyr106fs)

Gene: DOCK2 (dedicator of cytokinesis 2; plus strand). Cytogenetic location: 5q35.1.
Variant type: Duplication.
Coding change: c.316dup on transcript NM_004946.3 (MANE Select); coding-DNA position 316, one base duplicated (T; older notation c.316dupT).
Protein change: p.Tyr106fs; shifts the reading frame from tyrosine 106.
Molecular consequence: frameshift variant. On other transcripts: non-coding transcript variant (1).
Genome position (GRCh38, 1-based): chr5:169,671,169, T duplicated. VCF-style (leftmost placement, unchanged base first): chr5-169671168-C-CT. GRCh37 (hg19) VCF-style: chr5-169098172-C-CT.
Other names: short protein forms Y106fs.
Identifiers: ClinVar variation 1075139 (VCV001075139.8), dbSNP rs2113291833, ClinGen allele CA2499217766.

ClinVar aggregate classification (germline): Pathogenic (1 of 4 stars; one submission).

Conditions:
DOCK2 deficiency. Also called: Immunodeficiency 40. Identifiers: Orphanet 447737, MedGen C4225328, MONDO:0014637, OMIM 616433.

Submission:

Labcorp Genetics (formerly Invitae), Labcorp
Classification: Pathogenic for DOCK2 deficiency. Last evaluated: 2022-07-06. Review status: criteria provided, single submitter. Criteria: Invitae Variant Classification Sherloc (09022015). Collection method: clinical testing. Allele origin: germline.
Comment: This sequence change creates a premature translational stop signal (p.Tyr106Leufs*35) in the DOCK2 gene. It is expected to result in an absent or disrupted protein product. Loss-of-function variants in DOCK2 are known to be pathogenic (PMID: 26083206). This variant is not present in population databases (gnomAD no frequency). This variant has not been reported in the literature in individuals affected with DOCK2-related conditions. ClinVar contains an entry for this variant (Variation ID: 1075139). For these reasons, this variant has been classified as Pathogenic.

Literature cited by the submitters: PubMed 26083206.